The following is an entry in ClinVar:

ClinVar aggregate classification (germline): Uncertain significance (1 of 4 stars; one submission).

Conditions:
Hereditary cancer-predisposing syndrome. Also called: Tumor predisposition; Neoplastic Syndromes, Hereditary; Hereditary Cancer Syndrome; Hereditary neoplastic syndrome. Identifiers: Orphanet 140162, MedGen C0027672, MeSH D009386, MONDO:0015356.

Submission:

Ambry Genetics
Classification: Uncertain significance for Hereditary cancer-predisposing syndrome. Last evaluated: 2024-12-16. Review status: criteria provided, single submitter. Criteria: Ambry Variant Classification Scheme 2023. Collection method: clinical testing. Allele origin: germline.
Comment: The p.F746S variant (also known as c.2237T>C), located in coding exon 4 of the MSH6 gene, results from a T to C substitution at nucleotide position 2237. The phenylalanine at codon 746 is replaced by serine, an amino acid with highly dissimilar properties. This amino acid position is not well conserved in available vertebrate species. In addition, this alteration is predicted to be deleterious by in silico analysis. Based on the available evidence, the clinical significance of this variant remains unclear.

NM_000179.3(MSH6):c.2237T>C (p.Phe746Ser)

Gene: MSH6 (mutS homolog 6; plus strand). Cytogenetic location: 2p16.3.
Variant type: single nucleotide variant.
Coding change: c.2237T>C on transcript NM_000179.3 (MANE Select); coding-DNA position 2237, T replaced by C.
Protein change: p.Phe746Ser; replaces phenylalanine 746 with serine.
Molecular consequence: missense variant. On other transcripts: non-coding transcript variant (5), intron variant (2).
Genome position (GRCh38, 1-based): chr2:47,800,220, T>C. VCF-style: chr2-47800220-T-C. GRCh37 (hg19) VCF-style: chr2-48027359-T-C.
Other names: c.1847T>C, p.Phe616Ser (NM_001281492.2); c.1331T>C, p.Phe444Ser (NM_001281493.2, NM_001281494.2, NM_001406811.1 and 6 more transcripts); c.2333T>C, p.Phe778Ser (NM_001406795.1, NM_001406802.1); c.2237T>C, p.Phe746Ser (NM_001406796.1, NM_001406798.1, NM_001406800.1 and 3 more transcripts); c.1940T>C, p.Phe647Ser (NM_001406797.1, NM_001406801.1, NM_001406805.1 and 10 more transcripts); c.1712T>C, p.Phe571Ser (NM_001406799.1, NM_001406806.1, NM_001406807.1); c.2159T>C, p.Phe720Ser (NM_001406804.1); c.2243T>C, p.Phe748Ser (NM_001406813.1); and 3 more; short protein forms F616S, F746S, F748S, F444S, F647S, F690S, F571S, F720S.
Identifiers: ClinVar variation 3875051 (VCV003875051.1).
Genomic context (GRCh38, chr2:47,800,220, plus strand): 5'-TCACCAAAGCCTATCAACGAATGGTGCTAGATGCAGTGACATTAAACAACTTGGAGATTT[T>C]TCTGAATGGAACAAATGGTTCTACTGAAGGAACCCTACTAGAGAGGGTTGATACTTGCCA-3'
Protein context (NP_000170.1, residues 736-756): DAVTLNNLEI[Phe746Ser]LNGTNGSTEG